The following is an entry in ClinVar:

NM_000256.3(MYBPC3):c.956A>C (p.Glu319Ala)

Gene: MYBPC3 (myosin binding protein C3; minus strand). Cytogenetic location: 11p11.2.
Variant type: single nucleotide variant.
Coding change: c.956A>C on transcript NM_000256.3 (MANE Select); coding-DNA position 956, A replaced by C.
Protein change: p.Glu319Ala; replaces glutamic acid 319 with alanine.
Molecular consequence: missense variant.
Genome position (GRCh38, 1-based): chr11:47,346,341, T>G on the plus strand (A>C on the coding strand, the complement: MYBPC3 is on the minus strand). VCF-style: chr11-47346341-T-G. GRCh37 (hg19) VCF-style: chr11-47367892-T-G.
Other names: c.956A>C, p.Glu319Ala (LRG_386t1); short protein forms E319A.
Identifiers: ClinVar variation 407317 (VCV000407317.22), dbSNP rs545675333, ClinGen allele CA057623.

ClinVar aggregate classification (germline): Conflicting classifications of pathogenicity. Review status: criteria provided, conflicting classifications (1 of 4 stars). 9 submissions from 9 submitters: Uncertain significance (8); Likely benign (1). Last evaluated 2025-12-30.

Conditions:
MYBPC3-related disorder. Also called: MYBPC3-related disorders; MYBPC3-related condition; MYBPC3-related disease.
Cardiovascular phenotype. Identifiers: MedGen CN230736.
Cardiomyopathy (CMYO). Also called: Cardiomyopathies. Identifiers: Orphanet 167848, MedGen C0878544, MONDO:0004994, HP:0001638. Inheritance: Various modes of inheritance.
Hypertrophic cardiomyopathy. Also called: HYPERTROPHIC MYOCARDIOPATHY. Identifiers: Orphanet 217569, MedGen C0007194, MeSH D002312, MONDO:0005045, HP:0001639.

Allele frequency attached by ClinVar (database versions not stated): TOPMed 0.00001; gnomAD exomes 0.00003 and 0.00004; ExAC 0.00008; 1000 Genomes Project 30x 0.00016; 1000 Genomes Project 0.00020.
gnomAD v4.1: 51 of 1,605,862 alleles (0.0032%); highest among the groups gnomAD compares: South Asian, 0.041%; no homozygotes.

Submissions (9):

PreventionGenetics, part of Exact Sciences
Classification: Uncertain significance for MYBPC3-related condition. Last evaluated: 2025-12-30. Review status: criteria provided, single submitter. Criteria: ACMG Guidelines, 2015. Collection method: clinical testing. Allele origin: germline.
Comment: The MYBPC3 c.956A>C variant is predicted to result in the amino acid substitution p.Glu319Ala. This variant has been reported in an individual with hypertrophic cardiomyopathy (Kassem et al. 2013. PubMed ID: 23233322). This variant is reported in 0.024% of alleles in individuals of South Asian descent in gnomAD and has conflicting interpretations regarding its pathogenicity in ClinVar, ranging from likely benign to uncertain (Variation ID: 407317). At this time, the clinical significance of this variant is uncertain due to the absence of conclusive functional and genetic evidence.

Molecular Diagnostic Laboratory for Inherited Cardiovascular Disease, Montreal Heart Institute
Classification: Uncertain significance for Cardiovascular phenotype. Last evaluated: 2025-07-24. Review status: criteria provided, single submitter. Criteria: ACMG Guidelines, 2015. Collection method: clinical testing. Allele origin: germline. Affected: yes.

Ambry Genetics
Classification: Likely benign for Cardiovascular phenotype. Last evaluated: 2024-10-29. Review status: criteria provided, single submitter. Criteria: Ambry Variant Classification Scheme 2023. Collection method: clinical testing. Allele origin: germline.

Labcorp Genetics (formerly Invitae), Labcorp
Classification: Uncertain significance for Hypertrophic cardiomyopathy. Last evaluated: 2024-10-12. Review status: criteria provided, single submitter. Criteria: Invitae Variant Classification Sherloc (09022015). Collection method: clinical testing. Allele origin: germline.
Comment: This sequence change replaces glutamic acid, which is acidic and polar, with alanine, which is neutral and non-polar, at codon 319 of the MYBPC3 protein (p.Glu319Ala). This variant is present in population databases (rs545675333, gnomAD 0.02%). This missense change has been observed in individual(s) with hypertrophic cardiomyopathy (PMID: 23233322). ClinVar contains an entry for this variant (Variation ID: 407317). An algorithm developed to predict the effect of missense changes on protein structure and function (PolyPhen-2) suggests that this variant¬†is likely to be tolerated. In summary, the available evidence is currently insufficient to determine the role of this variant in disease. Therefore, it has been classified as a Variant of Uncertain Significance.

All of Us Research Program, National Institutes of Health
Classification: Uncertain significance for Hypertrophic cardiomyopathy. Last evaluated: 2023-12-18. Review status: criteria provided, single submitter. Criteria: ACMG Guidelines, 2015. Collection method: clinical testing. Allele origin: germline. Inheritance: Autosomal dominant inheritance. Observed: 4 variant alleles, 4 heterozygotes.
Comment: This missense variant replaces glutamic acid with alanine at codon 319 of the MYBPC3 protein. Computational prediction suggests that this variant may not impact protein structure and function (internally defined REVEL score threshold <= 0.5, PMID: 27666373). To our knowledge, functional studies have not been reported for this variant. This variant has been reported in an individual affected with hypertrophic cardiomyopathy (PMID: 23233322). This variant has been identified in 9/235974 chromosomes in the general population by the Genome Aggregation Database (gnomAD). The available evidence is insufficient to determine the role of this variant in disease conclusively. Therefore, this variant is classified as a Variant of Uncertain Significance.

This study involves interpretation of variants in research participants for the purpose of population health screening. Participant phenotype was not available at the time of variant classification. Additional details can be found in publication PMID: 35346344, PMCID: PMC8962531

Color Diagnostics, LLC DBA Color Health
Classification: Uncertain significance for Cardiomyopathy. Last evaluated: 2023-11-27. Review status: criteria provided, single submitter. Criteria: ACMG Guidelines, 2015. Collection method: clinical testing. Allele origin: germline.
Comment: This missense variant replaces glutamic acid with alanine at codon 319 of the MYBPC3 protein. Computational prediction tool indicates that this variant may have a neutral impact on protein structure and function. To our knowledge, functional studies have not been reported for this variant. This variant has been reported in an individual affected with hypertrophic cardiomyopathy (PMID: 23233322). This variant has been identified in 9/235974 chromosomes in the general population by the Genome Aggregation Database (gnomAD). The available evidence is insufficient to determine the role of this variant in disease conclusively. Therefore, this variant is classified as a Variant of Uncertain Significance.

Blueprint Genetics
Classification: Uncertain significance. Last evaluated: 2023-08-11. Review status: criteria provided, single submitter. Criteria: ACMG Guidelines, 2015. Collection method: clinical testing. Allele origin: germline.

Revvity Omics, Revvity
Classification: Uncertain significance. Last evaluated: 2023-06-07. Review status: criteria provided, single submitter. Criteria: ACMG Guidelines, 2015. Collection method: clinical testing. Allele origin: germline.

GeneDx
Classification: Uncertain significance. Last evaluated: 2022-11-09. Review status: criteria provided, single submitter. Criteria: GeneDx Variant Classification Process June 2021. Collection method: clinical testing. Allele origin: germline. Affected: yes.
Comment: Identified in a patient with HCM in published literature (Kassem et al., 2013); In silico analysis supports that this missense variant does not alter protein structure/function; This variant is associated with the following publications: (PMID: 23233322)

Literature cited by the submitters: PubMed 23233322 (cited by 4 submitters).